The following is an entry in ClinVar:

ClinVar aggregate classification (germline): Uncertain significance (1 of 4 stars; one submission).

Conditions:
Cystic fibrosis (CF). Also called: MUCOVISCIDOSIS. Identifiers: Orphanet 586, MedGen C0010674, MONDO:0009061, OMIM 219700. Disease mechanism: loss of function.

Submission:

Ambry Genetics
Classification: Uncertain significance for Cystic fibrosis. Last evaluated: 2022-02-21. Review status: criteria provided, single submitter. Criteria: Ambry Variant Classification Scheme 2023. Collection method: clinical testing. Allele origin: germline.
Comment: The p.Q715E variant (also known as c.2143C>G), located in coding exon 14 of the CFTR gene, results from a C to G substitution at nucleotide position 2143. The glutamine at codon 715 is replaced by glutamic acid, an amino acid with highly similar properties. This amino acid position is conserved. In addition, the in silico prediction for this alteration is inconclusive. Since supporting evidence is limited at this time, the clinical significance of this alteration remains unclear.

NM_000492.4(CFTR):c.2143C>G (p.Gln715Glu)

Gene: CFTR (CF transmembrane conductance regulator; plus strand). Cytogenetic location: 7q31.2.
Variant type: single nucleotide variant.
Coding change: c.2143C>G on transcript NM_000492.4 (MANE Select); coding-DNA position 2143, C replaced by G.
Protein change: p.Gln715Glu; replaces glutamine 715 with glutamic acid.
Molecular consequence: missense variant.
Genome position (GRCh38, 1-based): chr7:117,592,310, C>G. VCF-style: chr7-117592310-C-G. GRCh37 (hg19) VCF-style: chr7-117232364-C-G.
Other names: short protein forms Q715E.
Identifiers: ClinVar variation 1786617 (VCV001786617.2), dbSNP rs397508343, ClinGen allele CA368980001.